The following is an entry in ClinVar:

NM_000553.6(WRN):c.1173T>A (p.Cys391Ter)

Gene: WRN (WRN RecQ like helicase; plus strand). Cytogenetic location: 8p12.
Variant type: single nucleotide variant.
Coding change: c.1173T>A on transcript NM_000553.6 (MANE Select); coding-DNA position 1173, T replaced by A.
Protein change: p.Cys391Ter; replaces cysteine 391 with a stop codon.
Molecular consequence: nonsense.
Genome position (GRCh38, 1-based): chr8:31,081,200, T>A. VCF-style: chr8-31081200-T-A. GRCh37 (hg19) VCF-style: chr8-30938716-T-A.
Other names: short protein forms C391*.
Identifiers: ClinVar variation 2125827 (VCV002125827.5), dbSNP rs2535911235, ClinGen allele CA370921096.

ClinVar aggregate classification (germline): Pathogenic/Likely pathogenic. Review status: criteria provided, multiple submitters, no conflicts (2 of 4 stars). 2 submissions from 2 submitters: Pathogenic (1); Likely pathogenic (1). Last evaluated 2022-05-27.

Conditions:
Werner syndrome (WRN). Identifiers: Orphanet 902, MedGen C0043119, MONDO:0010196, OMIM 277700.

Submissions (2):

Labcorp Genetics (formerly Invitae), Labcorp
Classification: Pathogenic for Werner syndrome. Last evaluated: 2022-05-27. Review status: criteria provided, single submitter. Criteria: Invitae Variant Classification Sherloc (09022015). Collection method: clinical testing. Allele origin: germline.
Comment: For these reasons, this variant has been classified as Pathogenic. This variant has not been reported in the literature in individuals affected with WRN-related conditions. This variant is not present in population databases (gnomAD no frequency). This sequence change creates a premature translational stop signal (p.Cys391*) in the WRN gene. It is expected to result in an absent or disrupted protein product. Loss-of-function variants in WRN are known to be pathogenic (PMID: 16673358).

Baylor Genetics
Classification: Likely pathogenic for Werner syndrome. Last evaluated: 2022-02-15. Review status: criteria provided, single submitter. Criteria: ACMG Guidelines, 2015. Collection method: clinical testing. Allele origin: unknown.

Literature cited by the submitters: PubMed 16673358 (cited by Labcorp Genetics (formerly Invitae), Labcorp).